The following is an entry in ClinVar:

ClinVar aggregate classification (germline): Uncertain significance. Review status: criteria provided, multiple submitters, no conflicts (2 of 4 stars). 2 submissions from 2 submitters: Uncertain significance (2). Last evaluated 2026-08-08.

Conditions:
Cardiovascular phenotype. Identifiers: MedGen CN230736.
Hypertrophic cardiomyopathy 26. Also called: Cardiomyopathy, familial hypertrophic, 26. Identifiers: Orphanet 75249, MedGen C4310749, MONDO:0014883, OMIM 617047.
Myofibrillar myopathy 5. Also called: Filaminopathy (type); FILAMINOPATHY, AUTOSOMAL DOMINANT. Identifiers: Orphanet 171445, MedGen C1836050, MONDO:0012289, OMIM 609524.
Distal myopathy with posterior leg and anterior hand involvement. Also called: WILLIAMS DISTAL MYOPATHY. Identifiers: Orphanet 63273, MedGen C3279722, MONDO:0013550, OMIM 614065.

Submissions (2):

Ambry Genetics
Classification: Uncertain significance for Cardiovascular phenotype. Last evaluated: 2026-08-08. Review status: criteria provided, single submitter. Criteria: Ambry Variant Classification Scheme 2023. Collection method: clinical testing. Allele origin: germline.
Comment: The p.A815V variant (also known as c.2444C>T), located in coding exon 16 of the FLNC gene, results from a C to T substitution at nucleotide position 2444. The alanine at codon 815 is replaced by valine, an amino acid with similar properties. This amino acid position is conserved. In addition, the in silico prediction for this alteration is inconclusive. Based on the available evidence, the clinical significance of this variant remains unclear.

Labcorp Genetics (formerly Invitae), Labcorp
Classification: Uncertain significance for Distal myopathy with posterior leg and anterior hand involvement; Myofibrillar myopathy 5; Hypertrophic cardiomyopathy 26. Last evaluated: 2024-12-02. Review status: criteria provided, single submitter. Criteria: Invitae Variant Classification Sherloc (09022015). Collection method: clinical testing. Allele origin: germline.
Comment: This sequence change replaces alanine, which is neutral and non-polar, with valine, which is neutral and non-polar, at codon 815 of the FLNC protein (p.Ala815Val). This variant is not present in population databases (gnomAD no frequency). This variant has not been reported in the literature in individuals affected with FLNC-related conditions. Invitae Evidence Modeling of protein sequence and biophysical properties (such as structural, functional, and spatial information, amino acid conservation, physicochemical variation, residue mobility, and thermodynamic stability) has been performed for this missense variant. However, the output from this modeling did not meet the statistical confidence thresholds required to predict the impact of this variant on FLNC protein function. In summary, the available evidence is currently insufficient to determine the role of this variant in disease. Therefore, it has been classified as a Variant of Uncertain Significance.

NM_001458.5(FLNC):c.2444C>T (p.Ala815Val)

Gene: FLNC (filamin C; plus strand). Cytogenetic location: 7q32.1.
Variant type: single nucleotide variant.
Coding change: c.2444C>T on transcript NM_001458.5 (MANE Select); coding-DNA position 2444, C replaced by T.
Protein change: p.Ala815Val; replaces alanine 815 with valine.
Molecular consequence: missense variant.
Genome position (GRCh38, 1-based): chr7:128,842,848, C>T. VCF-style: chr7-128842848-C-T. GRCh37 (hg19) VCF-style: chr7-128482902-C-T.
Other names: c.2444C>T, p.Ala815Val (NM_001127487.2); short protein forms A815V.
Identifiers: ClinVar variation 3763832 (VCV003763832.3).